The following is an entry in ClinVar:

NM_031475.3(ESPN):c.2332G>A (p.Glu778Lys)

Gene: ESPN (espin; plus strand). Cytogenetic location: 1p36.31.
Variant type: single nucleotide variant.
Coding change: c.2332G>A on transcript NM_031475.3 (MANE Select); coding-DNA position 2332, G replaced by A.
Protein change: p.Glu778Lys; replaces glutamic acid 778 with lysine.
Molecular consequence: missense variant.
Genome position (GRCh38, 1-based): chr1:6,457,190, G>A. VCF-style: chr1-6457190-G-A. GRCh37 (hg19) VCF-style: chr1-6517250-G-A.
Other names: c.2242G>A, p.Glu748Lys (NM_001367473.1); c.2269G>A, p.Glu757Lys (NM_001367474.1); short protein forms E748K, E757K, E778K.
Identifiers: ClinVar variation 1392769 (VCV001392769.8), dbSNP rs1644071285, ClinGen allele CA338101883.

ClinVar aggregate classification (germline): Uncertain significance (1 of 4 stars; one submission).

Allele frequency attached by ClinVar (database versions not stated): gnomAD exomes below 0.00001; TOPMed 0.00001.
gnomAD v4.1: 1 of 1,601,794 alleles (0.000062%); highest among the groups gnomAD compares: Non-Finnish European, 0.000085%; no homozygotes.

Submission:

Labcorp Genetics (formerly Invitae), Labcorp
Classification: Uncertain significance. Last evaluated: 2021-07-12. Review status: criteria provided, single submitter. Criteria: Invitae Variant Classification Sherloc (09022015). Collection method: clinical testing. Allele origin: germline.
Comment: This sequence change replaces glutamic acid with lysine at codon 778 of the ESPN protein (p.Glu778Lys). The glutamic acid residue is moderately conserved and there is a small physicochemical difference between glutamic acid and lysine. This variant is not present in population databases (ExAC no frequency). This variant has not been reported in the literature in individuals affected with ESPN-related conditions. Algorithms developed to predict the effect of missense changes on protein structure and function are either unavailable or do not agree on the potential impact of this missense change (SIFT: "Tolerated"; PolyPhen-2: "Possibly Damaging"; Align-GVGD: "Class C0"). In summary, the available evidence is currently insufficient to determine the role of this variant in disease. Therefore, it has been classified as a Variant of Uncertain Significance.